The following is an entry in ClinVar:

NM_005476.7(GNE):c.2135T>C (p.Met712Thr)

Gene: GNE (glucosamine (UDP-N-acetyl)-2-epimerase/N-acetylmannosamine kinase; minus strand). Cytogenetic location: 9p13.3.
Variant type: single nucleotide variant.
Coding change: c.2135T>C on transcript NM_005476.7 (MANE Select); coding-DNA position 2135, T replaced by C.
Protein change: p.Met712Thr; replaces methionine 712 with threonine.
Molecular consequence: missense variant.
Genome position (GRCh38, 1-based): chr9:36,217,399, A>G on the plus strand (T>C on the coding strand, the complement: GNE is on the minus strand). VCF-style: chr9-36217399-A-G. GRCh37 (hg19) VCF-style: chr9-36217396-A-G.
Other names: c.2228T>C, p.Met743Thr (NM_001128227.3); c.1913T>C, p.Met638Thr (NM_001190383.3); c.1805T>C, p.Met602Thr (NM_001190384.3); c.1958T>C, p.Met653Thr (NM_001190388.2, NM_001374798.1); c.1982T>C, p.Met661Thr (NM_001374797.1); short protein forms M712T, M743T, M602T, M638T, M653T, M661T.
Identifiers: ClinVar variation 6025 (VCV000006025.52), dbSNP rs28937594, ClinGen allele CA253679.

ClinVar aggregate classification (germline): Pathogenic. Review status: criteria provided, multiple submitters, no conflicts (2 of 4 stars). 26 submissions from 24 submitters: Pathogenic (19). 7 of the submissions do not count toward it. Last evaluated 2026-01-27.

Conditions:
GNE-related disorder. Also called: GNE-related condition.
GNE-related disorders.
Sialuria. Also called: SIALURIA, FRENCH TYPE; Sialic Acid Storage Disease. Identifiers: Orphanet 3166, MedGen C0342853, MONDO:0010028, OMIM 269921.
Thrombocytopenia 12 with or without myopathy (THC12). Identifiers: MedGen C5935593, MONDO:0958325, OMIM 620757.
GNE myopathy (NM). Also called: NONAKA DISTAL MYOPATHY; INCLUSION BODY MYOPATHY, HEREDITARY, AUTOSOMAL RECESSIVE; INCLUSION BODY MYOPATHY 2, AUTOSOMAL RECESSIVE; MYOPATHY, DISTAL, WITH OR WITHOUT RIMMED VACUOLES; IBM 2; Inclusion body myopathy autosomal recessive. Identifiers: Orphanet 602, MedGen C1853926, MONDO:0011603, OMIM 605820.

Allele frequency attached by ClinVar (database versions not stated): gnomAD 0.00001; gnomAD exomes 0.00002 and 0.00004; TOPMed 0.00002; ExAC 0.00003.
gnomAD v4.1: 35 of 1,613,382 alleles (0.0022%); highest among the groups gnomAD compares: Middle Eastern, 0.26%; 1 homozygote.

Submissions 1 to 10 of 26:

3billion
Classification: Pathogenic for GNE myopathy. Last evaluated: 2026-01-27. Review status: criteria provided, single submitter. Criteria: ACMG Guidelines, 2015. Collection method: clinical testing. Allele origin: germline. Affected: yes.
Comment: The variant is observed at an extremely low frequency in the gnomAD v4.1.0 dataset (total allele frequency: 0.002%). Predicted Consequence/Location: Missense variant Functional studies provide moderate evidence of the variant having a damaging effect on the gene or gene product (PMID: 15147877, 15670773). In silico tool predictions suggest damaging effect of the variant on gene or gene product [REVEL: 0.76 (>=0.6, sensitivity 0.68 and specificity 0.92); 3Cnet: 0.85 (> 0.75, sensitivity 0.96 and precision 0.92)]. The same nucleotide change resulting in the same amino acid change has been previously reported as pathogenic/likely pathogenic with strong evidence (ClinVar ID: VCV000006025 /PMID: 11528398 /3billion dataset). The variant has been reported to co-segregate with the disease in at least 3 similarly affected relatives/individuals in the same family or similarly affected unrelated families (PMID: 11528398). Therefore, this variant is classified as Pathogenic according to the recommendation of ACMG/AMP guideline.

Natera, Inc.
Classification: Pathogenic for Nonaka myopathy. Last evaluated: 2025-12-23. Review status: criteria provided, single submitter. Criteria: Natera Variant Classification Schema (03/2026). Collection method: clinical testing. Allele origin: germline.
Comment: The c.2228T>C variant in GNE is a missense variant predicted to cause substitution of methionine to threonine at amino acid 743. This variant is rare in the general population with a frequency below the threshold expected for the associated phenotype(s). This variant has been observed in one or more individuals affected with the associated recessive disease, as either homozygous or compound heterozygous with a second variant (PMID: 27858732). Computational prediction algorithms indicate this variant is likely to affect gene or protein function. Given the available evidence, this variant is classified as Pathogenic.

Labcorp Genetics (formerly Invitae), Labcorp
Classification: Pathogenic for Sialuria; GNE myopathy. Last evaluated: 2025-11-16. Review status: criteria provided, single submitter. Criteria: Invitae Variant Classification Sherloc (09022015). Collection method: clinical testing. Allele origin: germline.
Comment: This sequence change replaces methionine, which is neutral and non-polar, with threonine, which is neutral and polar, at codon 743 of the GNE protein (p.Met743Thr). This variant is present in population databases (rs28937594, gnomAD 0.004%). This missense change has been observed in individuals with inclusion body myopathy (PMID: 11528398, 20300792, 23278550). It is commonly reported in individuals of Persian ancestry (PMID: 11528398, 20300792, 23278550). This variant is also known as c.2186T>C (p.Met712Thr). ClinVar contains an entry for this variant (Variation ID: 6025). Invitae Evidence Modeling of protein sequence and biophysical properties (such as structural, functional, and spatial information, amino acid conservation, physicochemical variation, residue mobility, and thermodynamic stability) has been performed for this missense variant. However, the output from this modeling did not meet the statistical confidence thresholds required to predict the impact of this variant on GNE protein function. Experimental studies have shown that this missense change affects GNE function (PMID: 15147877, 15670773). For these reasons, this variant has been classified as Pathogenic.

Revvity Omics, Revvity
Classification: Pathogenic. Last evaluated: 2024-06-11. Review status: criteria provided, single submitter. Criteria: ACMG Guidelines, 2015. Collection method: clinical testing. Allele origin: germline.

Fulgent Genetics
Classification: Pathogenic for Sialuria; GNE myopathy; Thrombocytopenia 12 with or without myopathy. Last evaluated: 2024-04-19. Review status: criteria provided, single submitter. Criteria: ACMG Guidelines, 2015. Collection method: clinical testing. Allele origin: germline.

Baylor Genetics
Classification: Pathogenic for GNE myopathy. Last evaluated: 2024-03-23. Review status: criteria provided, single submitter. Criteria: ACMG Guidelines, 2015. Collection method: clinical testing. Allele origin: unknown.

Women's Health and Genetics/Laboratory Corporation of America, LabCorp
Classification: Pathogenic for GNE myopathy. Last evaluated: 2024-02-20. Review status: criteria provided, single submitter. Criteria: LabCorp Variant Classification Summary - May 2015. Collection method: clinical testing. Allele origin: germline.
Comment: Variant summary: GNE c.2228T>C (p.Met743Thr) also known as p.Met712Thr, results in a non-conservative amino acid change in the encoded protein sequence. Four of five in-silico tools predict a damaging effect of the variant on protein function. The variant allele was found at a frequency of 4e-05 in 251286 control chromosomes. This frequency is not significantly higher than estimated for a pathogenic variant in GNE causing Inclusion Body Myopathy 2 (4e-05 vs 0.0011), allowing no conclusion about variant significance. c.2228T>C has been reported as the common Persian Jewish mutation in the literature in multiple individuals affected with Inclusion Body Myopathy 2 from Middle East (example, Argov_2003). These data indicate that the variant is very likely to be associated with disease. At least one publication reports experimental evidence evaluating an impact on protein function. The most pronounced variant effect results in impared GNE function and accumulated Glycosphingolipid levels in both primary fibroblasts from patients and knock-in mice with homozygous p.Met743Thr (Patzel_2014). The following publications have been ascertained in the context of this evaluation (PMID: 12743242, 24136589). ClinVar contains an entry for this variant (Variation ID: 6025). Based on the evidence outlined above, the variant was classified as pathogenic.

Blueprint Genetics
Classification: Pathogenic for GNE-related disorders. Last evaluated: 2023-09-18. Review status: criteria provided, single submitter. Criteria: ACMG Guidelines, 2015. Collection method: clinical testing. Allele origin: germline. Affected: yes. Observed: 5 variant alleles.

GeneDx
Classification: Pathogenic. Last evaluated: 2022-11-18. Review status: criteria provided, single submitter. Criteria: GeneDx Variant Classification Process June 2021. Collection method: clinical testing. Allele origin: germline. Affected: yes.
Comment: Published functional studies demonstrate reduced activity compared to wild-type, presumably due to the introduction of an additional phosphorylation/O-GlcNAcylation site as the M743T variant shows increased O-GlcNAcylation as compared to wild-type (Bennmann et al., 2016); The majority of missense variants in this gene are considered pathogenic (HGMD); A founder variant common in the Persian Jewish population (Eisenberg et al., 2001); This variant is associated with the following publications: (PMID: 24136589, 22975760, 20300792, 27023225, 23278550, 17673919, 22322304, 15670773, 15147877, 19917666, 22507750, 21873062, 23238814, 27037841, 15987957, 11528398, 25966635, 12473780, 27671536, 24264357, 28267778, 15136692, 34426522, 31589614, 19787087)

Laboratory for Molecular Medicine, Mass General Brigham Personalized Medicine
Classification: Pathogenic for GNE myopathy. Last evaluated: 2022-11-05. Review status: criteria provided, single submitter. Criteria: ACMG Guidelines, 2015. Collection method: clinical testing. Allele origin: germline. Inheritance: Autosomal recessive inheritance.
Comment: The p.Met743Thr variant in GNE (also reported in literature as Met712Thr) has been reported in >50 individuals with inclusion body myopathy in the homozygous and compound heterozygous state and segregated with disease in >50 affected individuals from multiple families (Eisenberg 2001 PMID: 11528398, Broccolini 2002 PMID: 12473780, Grandis 2010 PMID: 20300792, Khademian 2013 PMID: 23278550). It has been found in the homozygous state in some apparently asymptomatic family members which could give some evidence to reduced penetrance (Argov 2003 PMID: 1274324). It has also been identified in 0.001% (1/68034) of European chromosomes by gnomAD. This variant has also been reported in ClinVar (Variation ID 6025). Computational prediction tools and conservation analyses suggest that this variant may impact the protein, though this information is not predictive enough to determine pathogenicity. In vitro and in vivo functional studies support some impact on protein function, including increased glycosphingolipids in cells (Salama 2005 PMID: 15670773, Sparks 2005 PMID: 15987957, Patzel 2013 PMID: 24136589). Mouse models homozygous for the Met743Thr variant showed >90% lethality, severe hematuria, proteinuria and glomerulopathy, though in a later study variable phenotypes of mice were found (Kakani 2012 PMID: 22322304, Sela 2013 PMID: 23238814, Patzel 2013 PMID: 24136589). In summary, this variant meets criteria to be classified as pathogenic for autosomal recessive GNE myopathy. ACMG/AMP Criteria applied: PP1_Strong, PM3, PS3_Moderate, PM2_Supporting, PP3.